The following is an entry in ClinVar:

ClinVar aggregate classification (germline): Uncertain significance (1 of 4 stars; one submission).

Allele frequency attached by ClinVar (database versions not stated): gnomAD exomes 0.00001; ExAC 0.00007; ESP Exome Variant Server 0.00008.
gnomAD v4.1: 19 of 1,552,444 alleles (0.0012%); highest among the groups gnomAD compares: Non-Finnish European, 0.0017%; no homozygotes.

Submission:

Labcorp Genetics (formerly Invitae), Labcorp
Classification: Uncertain significance. Last evaluated: 2021-09-25. Review status: criteria provided, single submitter. Criteria: Invitae Variant Classification Sherloc (09022015). Collection method: clinical testing. Allele origin: germline.
Comment: In summary, the available evidence is currently insufficient to determine the role of this variant in disease. Therefore, it has been classified as a Variant of Uncertain Significance. Algorithms developed to predict the effect of sequence changes on RNA splicing suggest that this variant may create or strengthen a splice site. Algorithms developed to predict the effect of missense changes on protein structure and function are either unavailable or do not agree on the potential impact of this missense change (SIFT: "Deleterious"; PolyPhen-2: "Possibly Damaging"; Align-GVGD: "Class C0"). This variant has not been reported in the literature in individuals affected with SPEG-related conditions. While this variant is present in population databases (rs374412707), the frequency information is unreliable, as metrics indicate poor data quality at this position in the ExAC database. This sequence change replaces alanine with valine at codon 803 of the SPEG protein (p.Ala803Val). The alanine residue is highly conserved and there is a small physicochemical difference between alanine and valine.

NM_005876.5(SPEG):c.2408C>T (p.Ala803Val)

Gene: SPEG (striated muscle enriched protein kinase; plus strand). Cytogenetic location: 2q35.
Variant type: single nucleotide variant.
Coding change: c.2408C>T on transcript NM_005876.5 (MANE Select); coding-DNA position 2408, C replaced by T.
Protein change: p.Ala803Val; replaces alanine 803 with valine.
Molecular consequence: missense variant.
Genome position (GRCh38, 1-based): chr2:219,451,775, C>T. VCF-style: chr2-219451775-C-T. GRCh37 (hg19) VCF-style: chr2-220316497-C-T.
Other names: short protein forms A803V.
Identifiers: ClinVar variation 1348694 (VCV001348694.6), dbSNP rs374412707, ClinGen allele CA2125825.